The following is an entry in ClinVar:

ClinVar aggregate classification (germline): Likely benign. Review status: criteria provided, multiple submitters, no conflicts (2 of 4 stars). 8 submissions from 7 submitters: Likely benign (8). Last evaluated 2026-01-09.

Conditions:
Usher syndrome type 2A. Also called: RETINAL DISEASE IN USHER SYNDROME TYPE IIA, MODIFIER OF; USHER SYNDROME, TYPE IIA. Identifiers: Orphanet 231178, Orphanet 886, MedGen C1848634, MONDO:0010169, OMIM 276901.
USH2A-related disorder. Also called: USH2A-related condition; USH2A-related disorders. Identifiers: MedGen CN239332.
Retinitis pigmentosa 39 (RP39). Identifiers: Orphanet 791, MedGen C3151138, MONDO:0013436, OMIM 613809.

Allele frequency attached by ClinVar (database versions not stated): gnomAD 0.00006; TOPMed 0.00006; ESP Exome Variant Server 0.00008; gnomAD exomes 0.00010 and 0.00013; ExAC 0.00012.
gnomAD v4.1: 196 of 1,613,680 alleles (0.012%); highest among the groups gnomAD compares: Non-Finnish European, 0.014%; 1 homozygote.

Submissions (8):

Labcorp Genetics (formerly Invitae), Labcorp
Classification: Likely benign. Last evaluated: 2026-01-09. Review status: criteria provided, single submitter. Criteria: Invitae Variant Classification Sherloc (09022015). Collection method: clinical testing. Allele origin: germline.

PreventionGenetics, part of Exact Sciences
Classification: Likely benign for USH2A-related condition. Last evaluated: 2025-04-18. Review status: criteria provided, single submitter. Criteria: ACMG Guidelines, 2015. Collection method: clinical testing. Allele origin: germline.
Comment: This variant is classified as likely benign based on ACMG/AMP sequence variant interpretation guidelines (Richards et al. 2015 PMID: 25741868, with internal and published modifications).

Blueprint Genetics
Classification: Likely benign. Last evaluated: 2024-11-22. Review status: criteria provided, single submitter. Criteria: ACMG Guidelines, 2015. Collection method: clinical testing. Allele origin: germline.

CeGaT Center for Human Genetics Tuebingen
Classification: Likely benign. Last evaluated: 2024-08-01. Review status: criteria provided, single submitter. Criteria: CeGaT Center For Human Genetics Tuebingen Variant Classification Criteria Version 2. Collection method: clinical testing. Allele origin: germline. Affected: yes. Observed: 1 variant allele.
Comment: USH2A: BP4

Genome-Nilou Lab
Classification: Likely benign for Retinitis pigmentosa 39. Last evaluated: 2023-11-04. Review status: criteria provided, single submitter. Criteria: ACMG Guidelines, 2015. Collection method: clinical testing. Allele origin: germline. Affected: no.

Genome-Nilou Lab
Classification: Likely benign for Usher syndrome type 2A. Last evaluated: 2023-11-04. Review status: criteria provided, single submitter. Criteria: ACMG Guidelines, 2015. Collection method: clinical testing. Allele origin: germline. Affected: no.

Laboratory for Molecular Medicine, Mass General Brigham Personalized Medicine
Classification: Likely benign. Last evaluated: 2012-04-30. Review status: criteria provided, single submitter. Criteria: LMM Criteria. Collection method: clinical testing. Allele origin: germline. Observed: 1 variant allele.
Comment: Asp2093Asp in Exon 32 of USH2A: This variant is not expected to have clinical si gnificance because it does not alter an amino acid residue, is not located withi n the splice consensus sequence, and has been identified in 1/7020 European Amer ican chromosomes from a broad population by the NHLBI Exome Sequencing Project.

Breakthrough Genomics
Classification: Likely benign. Review status: criteria provided, single submitter. Criteria: ACMG Guidelines, 2015. Collection method: not provided. Allele origin: germline. Inheritance: Autosomal recessive inheritance. Affected: yes.

NM_206933.4(USH2A):c.6279T>C (p.Asp2093=)

Gene: USH2A (usherin; minus strand). Cytogenetic location: 1q41.
Variant type: single nucleotide variant.
Coding change: c.6279T>C on transcript NM_206933.4 (MANE Select); coding-DNA position 6279, T replaced by C.
Protein change: p.Asp2093=; no amino-acid change (aspartic acid 2093 retained).
Molecular consequence: synonymous variant.
Genome position (GRCh38, 1-based): chr1:216,046,477, A>G on the plus strand (T>C on the coding strand, the complement: USH2A is on the minus strand). VCF-style: chr1-216046477-A-G. GRCh37 (hg19) VCF-style: chr1-216219819-A-G.
Identifiers: ClinVar variation 667181 (VCV000667181.34), dbSNP rs200876799, ClinGen allele CA1395183.